The following is an entry in ClinVar:

ClinVar aggregate classification (germline): Uncertain significance (1 of 4 stars; one submission).

Allele frequency attached by ClinVar (database versions not stated): gnomAD exomes below 0.00001.
gnomAD v4.1: 3 of 1,614,124 alleles (0.00019%); highest among the groups gnomAD compares: South Asian, 0.0022%; no homozygotes.

Submission:

Labcorp Genetics (formerly Invitae), Labcorp
Classification: Uncertain significance. Last evaluated: 2022-08-24. Review status: criteria provided, single submitter. Criteria: Invitae Variant Classification Sherloc (09022015). Collection method: clinical testing. Allele origin: germline.
Comment: This variant is present in population databases (no rsID available, gnomAD 0.003%). This sequence change replaces threonine, which is neutral and polar, with serine, which is neutral and polar, at codon 219 of the FZD4 protein (p.Thr219Ser). This variant has not been reported in the literature in individuals affected with FZD4-related conditions. In summary, the available evidence is currently insufficient to determine the role of this variant in disease. Therefore, it has been classified as a Variant of Uncertain Significance. Algorithms developed to predict the effect of missense changes on protein structure and function are either unavailable or do not agree on the potential impact of this missense change (SIFT: "Deleterious"; PolyPhen-2: "Benign"; Align-GVGD: "Class C55").

NM_012193.4(FZD4):c.656C>G (p.Thr219Ser)

Genes: FZD4 (frizzled class receptor 4; minus strand), PRSS23 (serine protease 23; plus strand). Cytogenetic location: 11q14.2.
Variant type: single nucleotide variant.
Coding change: c.656C>G on transcript NM_012193.4 (MANE Select); coding-DNA position 656, C replaced by G.
Protein change: p.Thr219Ser; replaces threonine 219 with serine.
Molecular consequence: missense variant. On other transcripts: non-coding transcript variant (2).
Genome position (GRCh38, 1-based): chr11:86,952,100, G>C on the plus strand (C>G on the coding strand, the complement: FZD4 is on the minus strand). VCF-style: chr11-86952100-G-C. GRCh37 (hg19) VCF-style: chr11-86663142-G-C.
Other names: short protein forms T219S.
Identifiers: ClinVar variation 1717953 (VCV001717953.5), dbSNP rs1277181438, ClinGen allele CA382015008.